The following is an entry in ClinVar:

ClinVar aggregate classification (germline): Uncertain significance (1 of 4 stars; one submission).

Conditions:
Spastic paraplegia. Identifiers: MedGen C0037772, HP:0001258.

Allele frequency attached by ClinVar (database versions not stated): TOPMed below 0.00001.

Submission:

Labcorp Genetics (formerly Invitae), Labcorp
Classification: Uncertain significance for Spastic paraplegia. Last evaluated: 2022-10-18. Review status: criteria provided, single submitter. Criteria: Invitae Variant Classification Sherloc (09022015). Collection method: clinical testing. Allele origin: germline.
Comment: This sequence change replaces valine, which is neutral and non-polar, with alanine, which is neutral and non-polar, at codon 387 of the CYP7B1 protein (p.Val387Ala). This variant is not present in population databases (gnomAD no frequency). This variant has not been reported in the literature in individuals affected with CYP7B1-related conditions. Advanced modeling of protein sequence and biophysical properties (such as structural, functional, and spatial information, amino acid conservation, physicochemical variation, residue mobility, and thermodynamic stability) performed at Invitae indicates that this missense variant is not expected to disrupt CYP7B1 protein function. In summary, the available evidence is currently insufficient to determine the role of this variant in disease. Therefore, it has been classified as a Variant of Uncertain Significance.

NM_004820.5(CYP7B1):c.1160T>C (p.Val387Ala)

Gene: CYP7B1 (cytochrome P450 family 7 subfamily B member 1; minus strand). Cytogenetic location: 8q12.3.
Variant type: single nucleotide variant.
Coding change: c.1160T>C on transcript NM_004820.5 (MANE Select); coding-DNA position 1160, T replaced by C.
Protein change: p.Val387Ala; replaces valine 387 with alanine.
Molecular consequence: missense variant.
Genome position (GRCh38, 1-based): chr8:64,604,755, A>G on the plus strand (T>C on the coding strand, the complement: CYP7B1 is on the minus strand). VCF-style: chr8-64604755-A-G. GRCh37 (hg19) VCF-style: chr8-65517312-A-G.
Other names: c.1160T>C, p.Val387Ala (NM_001324112.2); short protein forms V387A.
Identifiers: ClinVar variation 2132613 (VCV002132613.1), dbSNP rs1805252189, ClinGen allele CA371334139.